The following is an entry in ClinVar:

ClinVar aggregate classification (germline): Uncertain significance (1 of 4 stars; one submission).

Conditions:
Norman-Roberts syndrome (LIS2). Also called: Lissencephaly 2 (Norman-Roberts type). Identifiers: Orphanet 89844, MedGen C0796089, MONDO:0009760, OMIM 257320.
Familial temporal lobe epilepsy 7. Identifiers: Orphanet 101046, MedGen C4225327, MONDO:0014639, OMIM 616436.

Submission:

Labcorp Genetics (formerly Invitae), Labcorp
Classification: Uncertain significance for Familial temporal lobe epilepsy 7; Norman-Roberts syndrome. Last evaluated: 2025-11-24. Review status: criteria provided, single submitter. Criteria: Invitae Variant Classification Sherloc (09022015). Collection method: clinical testing. Allele origin: germline.
Comment: This sequence change replaces methionine, which is neutral and non-polar, with isoleucine, which is neutral and non-polar, at codon 1552 of the RELN protein (p.Met1552Ile). This variant is not present in population databases (gnomAD no frequency). This variant has not been reported in the literature in individuals affected with RELN-related conditions. Invitae Evidence Modeling of protein sequence and biophysical properties (such as structural, functional, and spatial information, amino acid conservation, physicochemical variation, residue mobility, and thermodynamic stability) indicates that this missense variant is not expected to disrupt RELN protein function with a negative predictive value of 80%. In summary, the available evidence is currently insufficient to determine the role of this variant in disease. Therefore, it has been classified as a Variant of Uncertain Significance.

NM_005045.4(RELN):c.4656G>A (p.Met1552Ile)

Gene: RELN (reelin; minus strand). Cytogenetic location: 7q22.1.
Variant type: single nucleotide variant.
Coding change: c.4656G>A on transcript NM_005045.4 (MANE Select); coding-DNA position 4656, G replaced by A.
Protein change: p.Met1552Ile; replaces methionine 1552 with isoleucine.
Molecular consequence: missense variant.
Genome position (GRCh38, 1-based): chr7:103,566,692, C>T on the plus strand (G>A on the coding strand, the complement: RELN is on the minus strand). VCF-style: chr7-103566692-C-T. GRCh37 (hg19) VCF-style: chr7-103207139-C-T.
Other names: c.4656G>A, p.Met1552Ile (NM_173054.3); short protein forms M1552I.
Identifiers: ClinVar variation 4793076 (VCV004793076.1).